The following is an entry in ClinVar:

ClinVar aggregate classification (germline): Uncertain significance (1 of 4 stars; one submission).

Conditions:
Inborn genetic diseases. Identifiers: MedGen C0950123, MeSH D030342.

Submission:

Ambry Genetics
Classification: Uncertain significance for Inborn genetic diseases. Last evaluated: 2023-08-25. Review status: criteria provided, single submitter. Criteria: Ambry Variant Classification Scheme 2023. Collection method: clinical testing. Allele origin: germline.
Comment: The p.Y2006F variant (also known as c.6017A>T), located in coding exon 41 of the LRRK2 gene, results from an A to T substitution at nucleotide position 6017. The tyrosine at codon 2006 is replaced by phenylalanine, an amino acid with highly similar properties. This amino acid position is conserved. In addition, this alteration is predicted to be tolerated by in silico analysis. Since supporting evidence is limited at this time, the clinical significance of this alteration remains unclear.

NM_198578.4(LRRK2):c.6017A>T (p.Tyr2006Phe)

Gene: LRRK2 (leucine rich repeat kinase 2; plus strand). Cytogenetic location: 12q12.
Variant type: single nucleotide variant.
Coding change: c.6017A>T on transcript NM_198578.4 (MANE Select); coding-DNA position 6017, A replaced by T.
Protein change: p.Tyr2006Phe; replaces tyrosine 2006 with phenylalanine.
Molecular consequence: missense variant.
Genome position (GRCh38, 1-based): chr12:40,340,362, A>T. VCF-style: chr12-40340362-A-T. GRCh37 (hg19) VCF-style: chr12-40734164-A-T.
Other names: short protein forms Y2006F.
Identifiers: ClinVar variation 2608747 (VCV002608747.2), dbSNP rs2499948030, ClinGen allele CA384403793.